The following is an entry in ClinVar:

NM_001304548.2(CFAP47):c.1884A>G (p.Lys628=)

Gene: CFAP47 (cilia and flagella associated protein 47; plus strand). Cytogenetic location: Xp21.1.
Variant type: single nucleotide variant.
Coding change: c.1884A>G on transcript NM_001304548.2 (MANE Select); coding-DNA position 1884, A replaced by G.
Protein change: p.Lys628=; no amino-acid change (lysine 628 retained).
Molecular consequence: synonymous variant.
Genome position (GRCh38, 1-based): chrX:35,970,837, A>G. VCF-style: chrX-35970837-A-G. GRCh37 (hg19) VCF-style: chrX-35988954-A-G.
Other names: c.1884A>G, p.Lys628= (NM_152632.4).
Identifiers: ClinVar variation 2660261 (VCV002660261.24), dbSNP rs2518940751, ClinGen allele CA515921835.

ClinVar aggregate classification (germline): Likely benign (1 of 4 stars; one submission).

Allele frequency attached by ClinVar (database versions not stated): gnomAD exomes below 0.00001.

Submission:

CeGaT Center for Human Genetics Tuebingen
Classification: Likely benign. Last evaluated: 2023-03-01. Review status: criteria provided, single submitter. Criteria: CeGaT Center For Human Genetics Tuebingen Variant Classification Criteria Version 2. Collection method: clinical testing. Allele origin: germline. Affected: yes. Observed: 1 variant allele.
Comment: CFAP47: PM2:Supporting, BP4, BP7